The following is an entry in ClinVar:

ClinVar aggregate classification (germline): Pathogenic/Likely pathogenic. Review status: criteria provided, multiple submitters, no conflicts (2 of 4 stars). 2 submissions from 2 submitters: Pathogenic (1); Likely pathogenic (1). Last evaluated 2025-09-09.

Conditions:
Citrullinemia type I (CTNL1). Also called: ASS DEFICIENCY; argininosuccinate synthetase deficiency. Identifiers: Orphanet 247525, MedGen C4721769, MONDO:0008988, OMIM 215700.
Citrullinemia. Identifiers: Orphanet 187, MedGen C0175683, MONDO:0015991.

gnomAD v4.1: 2 of 1,614,132 alleles (0.00012%); highest among the groups gnomAD compares: Non-Finnish European, 0.00017%; no homozygotes.

Submissions (2):

Natera, Inc.
Classification: Likely pathogenic for Citrullinemia type I. Last evaluated: 2025-09-09. Review status: criteria provided, single submitter. Criteria: Natera Variant Classification Schema (03/2026). Collection method: clinical testing. Allele origin: germline.
Comment: The c.571G>C variant in ASS1 is a missense variant predicted to cause substitution of glutamic acid to glutamine at amino acid 191. This variant is rare in the general population with a frequency below the threshold expected for the associated phenotype(s). This variant has been observed in one or more individuals affected with the associated recessive disease, as either homozygous or compound heterozygous with a second variant (PMID: 27287393). A different variant at the same position has been determined to be Pathogenic or Likely Pathogenic. Computational prediction algorithms indicate this variant is likely to affect gene or protein function. Given the available evidence, this variant is classified as Likely Pathogenic.

Labcorp Genetics (formerly Invitae), Labcorp
Classification: Pathogenic for Citrullinemia. Last evaluated: 2024-03-12. Review status: criteria provided, single submitter. Criteria: Invitae Variant Classification Sherloc (09022015). Collection method: clinical testing. Allele origin: germline.
Comment: This sequence change replaces glutamic acid, which is acidic and polar, with glutamine, which is neutral and polar, at codon 191 of the ASS1 protein (p.Glu191Gln). This variant is not present in population databases (gnomAD no frequency). This missense change has been observed in individual(s) with citrullinemia type I and/or elevated citrulline (PMID: 27287393; Invitae). In at least one individual the data is consistent with being in trans (on the opposite chromosome) from a pathogenic variant. Advanced modeling of protein sequence and biophysical properties (such as structural, functional, and spatial information, amino acid conservation, physicochemical variation, residue mobility, and thermodynamic stability) performed at Invitae indicates that this missense variant is expected to disrupt ASS1 protein function with a positive predictive value of 80%. Experimental studies have shown that this missense change affects ASS1 function (PMID: 27287393). This variant disrupts the p.Glu191 amino acid residue in ASS1. Other variant(s) that disrupt this residue have been determined to be pathogenic (PMID: 12815590, 24713661, 28111830; Invitae). This suggests that this residue is clinically significant, and that variants that disrupt this residue are likely to be disease-causing. For these reasons, this variant has been classified as Pathogenic.

Literature cited by the submitters: PubMed 27287393 (cited by Natera, Inc. and Labcorp Genetics (formerly Invitae), Labcorp); PubMed 12815590 (cited by Labcorp Genetics (formerly Invitae), Labcorp); PubMed 24713661 (cited by Labcorp Genetics (formerly Invitae), Labcorp); PubMed 28111830 (cited by Labcorp Genetics (formerly Invitae), Labcorp).

NM_054012.4(ASS1):c.571G>C (p.Glu191Gln)

Gene: ASS1 (argininosuccinate synthase 1; plus strand). Cytogenetic location: 9q34.11.
Variant type: single nucleotide variant.
Coding change: c.571G>C on transcript NM_054012.4 (MANE Select); coding-DNA position 571, G replaced by C.
Protein change: p.Glu191Gln; replaces glutamic acid 191 with glutamine.
Molecular consequence: missense variant.
Genome position (GRCh38, 1-based): chr9:130,471,489, G>C. VCF-style: chr9-130471489-G-C. GRCh37 (hg19) VCF-style: chr9-133346876-G-C.
Other names: c.571G>C, p.Glu191Gln (NM_000050.4); short protein forms E191Q.
Identifiers: ClinVar variation 2678946 (VCV002678946.6), dbSNP rs777828000, ClinGen allele CA375227456.